The following is an entry in ClinVar:

ClinVar aggregate classification (germline): Uncertain significance (1 of 4 stars; one submission).

gnomAD v4.1: 3 of 1,614,024 alleles (0.00019%); no homozygotes.

Submission:

GeneDx
Classification: Uncertain significance. Last evaluated: 2023-11-20. Review status: criteria provided, single submitter. Criteria: GeneDx Variant Classification Process June 2021. Collection method: clinical testing. Allele origin: germline. Affected: yes.
Comment: Not observed at significant frequency in large population cohorts (gnomAD); In silico analysis supports that this missense variant has a deleterious effect on protein structure/function; Has not been previously published as pathogenic or benign to our knowledge; This variant is associated with the following publications: (PMID: 22982744)

NM_001365902.3(NFIX):c.304T>A (p.Cys102Ser)

Gene: NFIX (nuclear factor I X; plus strand). Cytogenetic location: 19p13.13.
Variant type: single nucleotide variant.
Coding change: c.304T>A on transcript NM_001365902.3 (MANE Select); coding-DNA position 304, T replaced by A.
Protein change: p.Cys102Ser; replaces cysteine 102 with serine.
Molecular consequence: missense variant.
Genome position (GRCh38, 1-based): chr19:13,025,297, T>A. VCF-style: chr19-13025297-T-A. GRCh37 (hg19) VCF-style: chr19-13136111-T-A.
Other names: c.328T>A, p.Cys110Ser (NM_001271043.2); c.280T>A, p.Cys94Ser (NM_001271044.3, NM_001378404.1); c.304T>A, p.Cys102Ser (NM_001365982.2, NM_002501.4); c.163T>A, p.Cys55Ser (NM_001365983.2); c.301T>A, p.Cys101Ser (NM_001365984.2, NM_001365985.2); c.352T>A, p.Cys118Ser (NM_001378405.1); short protein forms C101S, C102S, C110S, C118S, C55S, C94S.
Identifiers: ClinVar variation 3364740 (VCV003364740.1).